The following is an entry in ClinVar:

NM_004415.4(DSP):c.3312A>G (p.Ile1104Met)

Gene: DSP (desmoplakin; plus strand). Cytogenetic location: 6p24.3.
Variant type: single nucleotide variant.
Coding change: c.3312A>G on transcript NM_004415.4 (MANE Select); coding-DNA position 3312, A replaced by G.
Protein change: p.Ile1104Met; replaces isoleucine 1104 with methionine.
Molecular consequence: missense variant.
Genome position (GRCh38, 1-based): chr6:7,579,502, A>G. VCF-style: chr6-7579502-A-G. GRCh37 (hg19) VCF-style: chr6-7579735-A-G.
Other names: c.3312A>G, p.Ile1104Met (NM_001008844.3, NM_001319034.2); short protein forms I1104M.
Identifiers: ClinVar variation 2156780 (VCV002156780.4), dbSNP rs2533923025, ClinGen allele CA362683638.

ClinVar aggregate classification (germline): Uncertain significance (1 of 4 stars; one submission).

Conditions:
Arrhythmogenic cardiomyopathy with wooly hair and keratoderma. Also called: Dilated cardiomyopathy with woolly hair and keratoderma; Carvajal syndrome; PALMOPLANTAR KERATODERMA WITH LEFT VENTRICULAR CARDIOMYOPATHY AND WOOLLY HAIR; Arrhythmogenic cardiomyopathy with woolly hair and keratoderma. Identifiers: Orphanet 65282, MedGen C1854063, MONDO:0011581, OMIM 605676.
Arrhythmogenic right ventricular dysplasia 8 (ARVD8). Also called: Arrhythmogenic Right Ventricular Dysplasia/Cardiomyopathy 8; ARRHYTHMOGENIC RIGHT VENTRICULAR DYSPLASIA, FAMILIAL, 8; ARRHYTHMOGENIC RIGHT VENTRICULAR CARDIOMYOPATHY 8. Identifiers: MedGen C1843896, MONDO:0011831, OMIM 607450.

Submission:

Labcorp Genetics (formerly Invitae), Labcorp
Classification: Uncertain significance for Arrhythmogenic cardiomyopathy with wooly hair and keratoderma; Arrhythmogenic right ventricular dysplasia 8. Last evaluated: 2023-07-03. Review status: criteria provided, single submitter. Criteria: Invitae Variant Classification Sherloc (09022015). Collection method: clinical testing. Allele origin: germline.
Comment: This variant has not been reported in the literature in individuals affected with DSP-related conditions. ClinVar contains an entry for this variant (Variation ID: 2156780). An algorithm developed to predict the effect of missense changes on protein structure and function (PolyPhen-2) suggests that this variant is likely to be disruptive. In summary, the available evidence is currently insufficient to determine the role of this variant in disease. Therefore, it has been classified as a Variant of Uncertain Significance. This variant is not present in population databases (gnomAD no frequency). This sequence change replaces isoleucine, which is neutral and non-polar, with methionine, which is neutral and non-polar, at codon 1104 of the DSP protein (p.Ile1104Met).